The following is an entry in ClinVar:

NM_014425.5(INVS):c.1995T>C (p.Ser665=)

Gene: INVS (inversin; plus strand). Cytogenetic location: 9q31.1.
Variant type: single nucleotide variant.
Coding change: c.1995T>C on transcript NM_014425.5 (MANE Select); coding-DNA position 1995, T replaced by C.
Protein change: p.Ser665=; no amino-acid change (serine 665 retained).
Molecular consequence: synonymous variant. On other transcripts: non-coding transcript variant (1).
Genome position (GRCh38, 1-based): chr9:100,284,530, T>C. VCF-style: chr9-100284530-T-C. GRCh37 (hg19) VCF-style: chr9-103046812-T-C.
Other names: c.1995T>C (NM_014425.4); c.1707T>C, p.Ser569= (NM_001318381.2); c.1017T>C, p.Ser339= (NM_001318382.2).
Identifiers: ClinVar variation 1160699 (VCV001160699.10), dbSNP rs762888351, ClinGen allele CA5158524.
Genomic context (GRCh38, chr9:100,284,530, plus strand): 5'-TGCTGGCAACGTGGCCCAAGGCCCTGAGCCAAGAGACAGCAGAGGATCTCCAGGAGGGTC[T>C]CTAGGCGGAGCCCTCCAGAAGGAGCAGCATGTTTCCTCAGATTTGCAGGGAACAAACTCC-3'
Protein context (NP_055240.2, residues 655-675): PRDSRGSPGG[Ser665=]LGGALQKEQH

ClinVar aggregate classification (germline): Likely benign. Review status: criteria provided, multiple submitters, no conflicts (2 of 4 stars). 2 submissions from 2 submitters: Likely benign (2). Last evaluated 2026-09-15.

Conditions:
Nephronophthisis. Also called: Juvenile Nephronophthisis. Identifiers: Orphanet 655, MedGen C0687120, MONDO:0019005, HP:0000090.
INVS-related disorder. Also called: INVS-related condition.

Allele frequency attached by ClinVar (database versions not stated): gnomAD exomes below 0.00001 and 0.00001; ExAC 0.00001; TOPMed 0.00001; gnomAD 0.00002.
gnomAD v4.1: 4 of 1,613,908 alleles (0.00025%); highest among the groups gnomAD compares: Non-Finnish European, 0.00034%; no homozygotes.

Submissions (2):

PreventionGenetics, part of Exact Sciences
Classification: Likely benign for INVS-related condition. Last evaluated: 2026-09-15. Review status: criteria provided, single submitter. Criteria: ACMG Guidelines, 2015. Collection method: clinical testing. Allele origin: germline.
Comment: This variant is classified as likely benign based on ACMG/AMP sequence variant interpretation guidelines (Richards et al. 2015 PMID: 25741868, with internal and published modifications).

Labcorp Genetics (formerly Invitae), Labcorp
Classification: Likely benign for Nephronophthisis. Last evaluated: 2026-02-01. Review status: criteria provided, single submitter. Criteria: Invitae Variant Classification Sherloc (09022015). Collection method: clinical testing. Allele origin: germline.